The following is an entry in ClinVar:

ClinVar aggregate classification (germline): Uncertain significance (1 of 4 stars; one submission).

Submission:

Labcorp Genetics (formerly Invitae), Labcorp
Classification: Uncertain significance. Last evaluated: 2025-09-20. Review status: criteria provided, single submitter. Criteria: Invitae Variant Classification Sherloc (09022015). Collection method: clinical testing. Allele origin: germline.
Comment: This sequence change replaces glutamic acid, which is acidic and polar, with glutamine, which is neutral and polar, at codon 250 of the ALDH3A2 protein (p.Glu250Gln). This variant is not present in population databases (gnomAD no frequency). This variant has not been reported in the literature in individuals affected with ALDH3A2-related conditions. Invitae Evidence Modeling of protein sequence and biophysical properties (such as structural, functional, and spatial information, amino acid conservation, physicochemical variation, residue mobility, and thermodynamic stability) indicates that this missense variant is not expected to disrupt ALDH3A2 protein function with a negative predictive value of 80%. In summary, the available evidence is currently insufficient to determine the role of this variant in disease. Therefore, it has been classified as a Variant of Uncertain Significance.

NM_000382.3(ALDH3A2):c.748G>C (p.Glu250Gln)

Gene: ALDH3A2 (aldehyde dehydrogenase 3 family member A2; plus strand). Cytogenetic location: 17p11.2.
Variant type: single nucleotide variant.
Coding change: c.748G>C on transcript NM_000382.3 (MANE Select); coding-DNA position 748, G replaced by C.
Protein change: p.Glu250Gln; replaces glutamic acid 250 with glutamine.
Molecular consequence: missense variant.
Genome position (GRCh38, 1-based): chr17:19,657,812, G>C. VCF-style: chr17-19657812-G-C. GRCh37 (hg19) VCF-style: chr17-19561125-G-C.
Other names: c.748G>C, p.Glu250Gln (NM_001031806.2, NM_001369136.1, NM_001369137.2 and 3 more transcripts); c.169G>C, p.Glu57Gln (NM_001369148.2); short protein forms E250Q, E57Q.
Identifiers: ClinVar variation 4746122 (VCV004746122.1).
Genomic context (GRCh38, chr17:19,657,812, plus strand): 5'-ACCTGGGGAAAATACATGAATTGTGGCCAAACCTGCATTGCACCCGACTATATTCTCTGT[G>C]AAGCATCCCTCCAAAATCAAATTGTATGGAAGATTAAGGAAACAGTGAAGGTTTGTATTA-3'
Protein context (NP_000373.1, residues 240-260): TCIAPDYILC[Glu250Gln]ASLQNQIVWK